The following is an entry in ClinVar:

NM_000284.4(PDHA1):c.739G>A (p.Asp247Asn)

Gene: PDHA1 (pyruvate dehydrogenase E1 subunit alpha 1; plus strand). Cytogenetic location: Xp22.12.
Variant type: single nucleotide variant.
Coding change: c.739G>A on transcript NM_000284.4 (MANE Select); coding-DNA position 739, G replaced by A.
Protein change: p.Asp247Asn; replaces aspartic acid 247 with asparagine.
Molecular consequence: missense variant.
Genome position (GRCh38, 1-based): chrX:19,355,484, G>A. VCF-style: chrX-19355484-G-A. GRCh37 (hg19) VCF-style: chrX-19373602-G-A.
Other names: c.853G>A, p.Asp285Asn (NM_001173454.2); c.760G>A, p.Asp254Asn (NM_001173455.2); c.646G>A, p.Asp216Asn (NM_001173456.2); c.739G>A (NM_000284.3); short protein forms D216N, D247N, D254N, D285N.
Identifiers: ClinVar variation 991385 (VCV000991385.4), dbSNP rs2063189797, ClinGen allele CA412394656.
Genomic context (GRCh38, chrX:19,355,484, plus strand): 5'-TATGGAATGGGAACGTCTGTTGAGAGAGCGGCAGCCAGCACTGATTACTACAAGAGAGGC[G>A]ATTTCATTCCTGGGCTGAGAGTAAGGACACCTGTGGTGGGGCCGGGGCCAAGGCCAAGGC-3'
Protein context (NP_000275.1, residues 237-257): AASTDYYKRG[Asp247Asn]FIPGLRVDGM

ClinVar aggregate classification (germline): Uncertain significance. Review status: criteria provided, single submitter (1 of 4 stars). 2 submissions from 2 submitters: Uncertain significance (1). 1 of the submissions does not count toward it. Last evaluated 2021-08-09.

Conditions:
Pyruvate dehydrogenase complex deficiency (PDHC). Also called: PYRUVATE DECARBOXYLASE DEFICIENCY; Pyruvate Dehydrogenase Complex Deficiency Disease; Pyruvate dehydrogenase deficiency; Ataxia with lactic acidosis 1; PDH DEFICIENCY. Identifiers: Orphanet 765, Orphanet 79243, MedGen C0034345, MONDO:0019169.

Submissions (2):

GeneDx
Classification: Uncertain significance. Last evaluated: 2021-08-09. Review status: criteria provided, single submitter. Criteria: GeneDx Variant Classification Process June 2021. Collection method: clinical testing. Allele origin: germline. Affected: yes.
Comment: Not observed in large population cohorts (Lek et al., 2016); The majority of missense variants in this gene are considered pathogenic (Stenson et al., 2014); In silico analysis, which includes protein predictors and evolutionary conservation, supports a deleterious effect; Has not been previously published as pathogenic or benign to our knowledge

Natera, Inc.
Classification: Uncertain significance for Pyruvate decarboxylase deficiency. Last evaluated: 2020-08-13. Review status: no assertion criteria provided. Collection method: clinical testing. Allele origin: germline. Not counted in ClinVar's aggregate classification.